The following is an entry in ClinVar:

ClinVar aggregate classification (germline): Uncertain significance (1 of 4 stars; one submission).

Submission:

Labcorp Genetics (formerly Invitae), Labcorp
Classification: Uncertain significance. Last evaluated: 2018-04-05. Review status: criteria provided, single submitter. Criteria: Invitae Variant Classification Sherloc (09022015). Collection method: clinical testing. Allele origin: germline.
Comment: Algorithms developed to predict the effect of missense changes on protein structure and function do not agree on the potential impact of this missense change (SIFT: "Deleterious"; PolyPhen-2: "Probably Damaging"; Align-GVGD: "Class C0"). This variant has not been reported in the literature in individuals with POLE-related disease. This variant is not present in population databases (ExAC no frequency). This sequence change replaces histidine with arginine at codon 404 of the POLE protein (p.His404Arg). The histidine residue is highly conserved and there is a small physicochemical difference between histidine and arginine. In summary, the available evidence is currently insufficient to determine the role of this variant in disease. Therefore, it has been classified as a Variant of Uncertain Significance.

NM_006231.4(POLE):c.1211A>G (p.His404Arg)

Gene: POLE (DNA polymerase epsilon, catalytic subunit; minus strand). Cytogenetic location: 12q24.33.
Variant type: single nucleotide variant.
Coding change: c.1211A>G on transcript NM_006231.4 (MANE Select); coding-DNA position 1211, A replaced by G.
Protein change: p.His404Arg; replaces histidine 404 with arginine.
Molecular consequence: missense variant.
Genome position (GRCh38, 1-based): chr12:132,675,413, T>C on the plus strand (A>G on the coding strand, the complement: POLE is on the minus strand). VCF-style: chr12-132675413-T-C. GRCh37 (hg19) VCF-style: chr12-133251999-T-C.
Other names: short protein forms H404R.
Identifiers: ClinVar variation 583195 (VCV000583195.8), dbSNP rs1565975006, ClinGen allele CA387360726.
Genomic context (GRCh38, chr12:132,675,413, plus strand): 5'-GCTCACGGACAGCAGTGAGGAGCCATGCTGCTCTGTGGCCCCTACCTGAGGCAGTCCATG[T>C]GGATGCACTGGGGCGCCTTGTACTCCCCCTGGCTGTCCTTCTGGAAGCCTATCTCCTGCT-3'
Protein context (NP_006222.2, residues 394-414): QGEYKAPQCI[His404Arg]MDCLRWVKRD